The following is an entry in ClinVar:

ClinVar aggregate classification (germline): Uncertain significance. Review status: criteria provided, multiple submitters, no conflicts (2 of 4 stars). 2 submissions from 2 submitters: Uncertain significance (2). Last evaluated 2023-08-17.

Conditions:
Inborn genetic diseases. Identifiers: MedGen C0950123, MeSH D030342.
D-2-hydroxyglutaric aciduria 2 (D2HGA2). Identifiers: Orphanet 79315, MedGen C3150909, MONDO:0013345, OMIM 613657.

Allele frequency attached by ClinVar (database versions not stated): gnomAD exomes below 0.00001 and 0.00002; TOPMed 0.00001.
gnomAD v4.1: 4 of 1,613,912 alleles (0.00025%); highest among the groups gnomAD compares: Admixed American, 0.0067%; no homozygotes.

Submissions (2):

Labcorp Genetics (formerly Invitae), Labcorp
Classification: Uncertain significance for D-2-hydroxyglutaric aciduria 2. Last evaluated: 2023-08-17. Review status: criteria provided, single submitter. Criteria: Invitae Variant Classification Sherloc (09022015). Collection method: clinical testing. Allele origin: germline.
Comment: This sequence change replaces leucine, which is neutral and non-polar, with phenylalanine, which is neutral and non-polar, at codon 391 of the IDH2 protein (p.Leu391Phe). This variant is present in population databases (no rsID available, gnomAD 0.01%). In summary, the available evidence is currently insufficient to determine the role of this variant in disease. Therefore, it has been classified as a Variant of Uncertain Significance. Advanced modeling of protein sequence and biophysical properties (such as structural, functional, and spatial information, amino acid conservation, physicochemical variation, residue mobility, and thermodynamic stability) performed at Invitae indicates that this missense variant is expected to disrupt IDH2 protein function. ClinVar contains an entry for this variant (Variation ID: 1042645). This variant has not been reported in the literature in individuals affected with IDH2-related conditions.

Ambry Genetics
Classification: Uncertain significance for Inborn genetic diseases. Last evaluated: 2022-04-12. Review status: criteria provided, single submitter. Criteria: Ambry Variant Classification Scheme 2023. Collection method: clinical testing. Allele origin: germline.

NM_002168.4(IDH2):c.1171C>T (p.Leu391Phe)

Gene: IDH2 (isocitrate dehydrogenase (NADP(+)) 2; minus strand). Cytogenetic location: 15q26.1.
Variant type: single nucleotide variant.
Coding change: c.1171C>T on transcript NM_002168.4 (MANE Select); coding-DNA position 1171, C replaced by T.
Protein change: p.Leu391Phe; replaces leucine 391 with phenylalanine.
Molecular consequence: missense variant.
Genome position (GRCh38, 1-based): chr15:90,085,008, G>A on the plus strand (C>T on the coding strand, the complement: IDH2 is on the minus strand). VCF-style: chr15-90085008-G-A. GRCh37 (hg19) VCF-style: chr15-90628240-G-A.
Other names: c.1171C>T (NM_002168.2); c.1015C>T, p.Leu339Phe (NM_001289910.1); c.781C>T, p.Leu261Phe (NM_001290114.2); short protein forms L261F, L339F, L391F.
Identifiers: ClinVar variation 1042645 (VCV001042645.7), dbSNP rs1247633248, ClinGen allele CA393818478.